The following is an entry in ClinVar:

ClinVar aggregate classification (germline): Uncertain significance (1 of 4 stars; one submission).

Conditions:
Mitochondrial DNA depletion syndrome 13. Also called: FBXL4-Related Encephalomyopathic Mitochondrial DNA Depletion Syndrome; Mitochondrial DNA depletion syndrome 13 (encephalomyopathic type). Identifiers: Orphanet 369897, MedGen C3809592, MONDO:0014198, OMIM 615471.

Allele frequency attached by ClinVar (database versions not stated): gnomAD exomes below 0.00001; ExAC 0.00003.
gnomAD v4.1: 7 of 1,612,970 alleles (0.00043%); highest among the groups gnomAD compares: South Asian, 0.0077%; no homozygotes.

Submission:

Wong Mito Lab, Molecular and Human Genetics, Baylor College of Medicine
Classification: Uncertain significance for Mitochondrial DNA depletion syndrome 13. Last evaluated: 2017-08-10. Review status: criteria provided, single submitter. Criteria: ACMG Guidelines, 2015. Collection method: reference population. Allele origin: germline.
Comment: The NM_012160.4:c.933C>G (NP_036292.2:p.Ser311Arg) [GRCH38: NC_000006.12:g.98905596G>C] variant in FBXL4 gene is interpretated to be a Uncertain Significance - Conflicting Evidence based on ACMG guidelines (PMID: 25741868). This variant meets one or more of the following evidence codes reported in the ACMG-guideline. PM2:This variant is absent in key population databases. BP4:Computational evidence/predictors indicate no impact on the FBXL4 structure, function, or protein-protein interaction. Based on this evidence code ClinGen Pathogenicity Calculator (PMID:28081714) suggested that the variant is Uncertain Significance - Conflicting Evidence.

NM_001278716.2(FBXL4):c.933C>G (p.Ser311Arg)

Gene: FBXL4 (F-box and leucine rich repeat protein 4; minus strand). Cytogenetic location: 6q16.2.
Variant type: single nucleotide variant.
Coding change: c.933C>G on transcript NM_001278716.2 (MANE Select); coding-DNA position 933, C replaced by G.
Protein change: p.Ser311Arg; replaces serine 311 with arginine.
Molecular consequence: missense variant. On other transcripts: non-coding transcript variant (2).
Genome position (GRCh38, 1-based): chr6:98,905,596, G>C on the plus strand (C>G on the coding strand, the complement: FBXL4 is on the minus strand). VCF-style: chr6-98905596-G-C. GRCh37 (hg19) VCF-style: chr6-99353472-G-C.
Other names: c.933C>G, p.Ser311Arg (NM_012160.5); short protein forms S311R.
Identifiers: ClinVar variation 437658 (VCV000437658.1), dbSNP rs778207313, ClinGen allele CA3933581.